The following is an entry in ClinVar:

NM_001194.4(HCN2):c.615C>A (p.His205Gln)

Gene: HCN2 (hyperpolarization activated cyclic nucleotide gated potassium and sodium channel 2; plus strand). Cytogenetic location: 19p13.3.
Variant type: single nucleotide variant.
Coding change: c.615C>A on transcript NM_001194.4 (MANE Select); coding-DNA position 615, C replaced by A.
Protein change: p.His205Gln; replaces histidine 205 with glutamine.
Molecular consequence: missense variant.
Genome position (GRCh38, 1-based): chr19:590,560, C>A. VCF-style: chr19-590560-C-A. GRCh37 (hg19) VCF-style: chr19-590560-C-A.
Other names: NM_001194.4(HCN2):c.615C>A; p.His205Gln; short protein forms H205Q.
Identifiers: ClinVar variation 1711725 (VCV001711725.2), dbSNP rs2512439870, ClinGen allele CA402869686.

ClinVar aggregate classification (germline): Conflicting classifications of pathogenicity. Review status: criteria provided, conflicting classifications (1 of 4 stars). 2 submissions from 2 submitters: Pathogenic (1); Uncertain significance (1). Last evaluated 2026-03-04.

Conditions:
Neurodevelopmental disorder. Identifiers: MedGen C1535926, MeSH D065886, MONDO:0700092.
HCN2 related developmental and epileptic encephalopathy.

Submissions (2):

Broad Center for Mendelian Genomics, Broad Institute of MIT and Harvard
Classification: Uncertain significance for Neurodevelopmental disorder. Last evaluated: 2026-03-04. Review status: criteria provided, single submitter. Criteria: ACMG Guidelines, 2015. Collection method: research. Allele origin: germline. Inheritance: Autosomal recessive inheritance. Study: GREGoR Consortium.
Comment: It was absent from large population studies and has also been reported in ClinVar (Variation ID: 1711725). Computational prediction tools and conservation analyses suggest that this variant may impact the protein, though this information is not predictive enough to determine impact. Furthermore, although this gene has been reported in association with neurodevelopmental disorder, this association has not been definitively established. In summary, the clinical significance of this variant is uncertain.

Department of Genetics, CHU d'Angers
Classification: Pathogenic for HCN2 related developmental and epileptic encephalopathy. Review status: criteria provided, single submitter. Criteria: ACMG Guidelines, 2015. Collection method: clinical testing. Allele origin: maternal. Affected: yes.